The following is an entry in ClinVar:

NM_016284.5(CNOT1):c.76C>T (p.Arg26Ter)

Gene: CNOT1 (CCR4-NOT transcription complex subunit 1; minus strand). Cytogenetic location: 16q21.
Variant type: single nucleotide variant.
Coding change: c.76C>T on transcript NM_016284.5 (MANE Select); coding-DNA position 76, C replaced by T.
Protein change: p.Arg26Ter; replaces arginine 26 with a stop codon.
Molecular consequence: nonsense. On other transcripts: non-coding transcript variant (1).
Genome position (GRCh38, 1-based): chr16:58,599,262, G>A on the plus strand (C>T on the coding strand, the complement: CNOT1 is on the minus strand). VCF-style: chr16-58599262-G-A. GRCh37 (hg19) VCF-style: chr16-58633166-G-A.
Other names: c.76C>T, p.Arg26Ter (NM_001265612.2, NM_206999.3); c.76C>T (NM_016284.3); short protein forms R26*.
Identifiers: ClinVar variation 978820 (VCV000978820.9), dbSNP rs1597562609, ClinGen allele CA396158998.
Genomic context (GRCh38, chr16:58,599,262, plus strand): 5'-TTAATGGCACTTGTTTTCTGGCTAGTTTACTTACATGCTGTATTTCCTGCTGGCTGGCTC[G>A]GTAATTTTTCTTGGTTAAATTGTCCACCAGGTAGCTGATTTGAGACAAGGCCAGCGAGAG-3'

ClinVar aggregate classification (germline): Pathogenic/Likely pathogenic. Review status: criteria provided, multiple submitters, no conflicts (2 of 4 stars). 7 submissions from 7 submitters: Pathogenic (5); Likely pathogenic (1). 1 of the submissions does not count toward it. Last evaluated 2026-04-24.

Conditions:
Inborn genetic diseases. Identifiers: MedGen C0950123, MeSH D030342.
CNOT1-Related Vissers-Bodmer Syndrome. Identifiers: MedGen CN381458.
Vissers-Bodmer syndrome. Identifiers: MedGen C5436647, MONDO:0033618, OMIM 619033.

Submissions (7):

Women's Health and Genetics/Laboratory Corporation of America, LabCorp
Classification: Pathogenic for Vissers-Bodmer syndrome. Last evaluated: 2026-04-24. Review status: criteria provided, single submitter. Criteria: LabCorp Variant Classification Summary - May 2015. Collection method: clinical testing. Allele origin: germline.
Comment: Variant summary: CNOT1 c.76C>T (p.Arg26X) results in a premature termination codon, predicted to cause a truncation of the encoded protein or absence of the protein due to nonsense mediated decay, which are commonly known mechanisms for disease. The variant was absent in 250810 control chromosomes. c.76C>T has been observed in individual(s) affected with Vissers-Bodmer Syndrome. These data indicate that the variant may be associated with disease. To our knowledge, no experimental evidence demonstrating an impact on protein function has been reported. The following publications have been ascertained in the context of this evaluation (PMID: 32553196, 39944418). ClinVar contains an entry for this variant (Variation ID: 978820). Based on the evidence outlined above, the variant was classified as pathogenic.

Medical and Scientific Branch, Hong Kong Genome Institute
Classification: Likely pathogenic for Vissers-Bodmer syndrome. Last evaluated: 2025-10-11. Review status: criteria provided, single submitter. Criteria: ACMG Guidelines, 2015. Collection method: clinical testing. Allele origin: de novo. Affected: yes.

Division of Genetic & Genomic Pathology, Hong Kong Children's Hospital
Classification: Pathogenic for CNOT1-Related Vissers-Bodmer Syndrome. Last evaluated: 2025-09-03. Review status: criteria provided, single submitter. Criteria: ACMG Guidelines, 2015. Collection method: clinical testing. Allele origin: germline. Affected: yes.
Comment: NM_016284.5(CNOT1):c.76C>T p.(Arg26*) is a nonsense variant in exon 2 (of 49 exons) in the translational regulatory gene CNOT1. The variant is predicted to produce a truncated mRNA or undergo nonsense-mediated decay (PMID: 32553196), where CNOT has been curated as a haploinsufficient gene by ClinGen (CCID:006889). The variant is absent in population control databases (gnomAD v2.1.1 and v4.1.0). It has been shown to arise de novo in four unrelated individuals with developmental delay (PMIDs: 32553196, 33057194). For these reasons, NM_016284.5(CNOT1):c.76C>T p.(Arg26*) is classified as pathogenic.

Dasa
Classification: Pathogenic. Last evaluated: 2025-08-12. Review status: criteria provided, single submitter. Criteria: DASA Assertion Criteria. Collection method: clinical testing. Allele origin: germline.
Comment: NM_016284.5(CNOT1):c.76C>T (p.Arg26*) introduces a premature termination codon predicted to result in loss of normal protein function. Loss-of-function is an established mechanism of disease for this gene. De novo occurrence has been reported in an individual with related phenotype. This variant has been reported in individuals with related phenotype (PMID: 32553196). The variant is present at low frequency in population datasets. Based on the available data, this variant is classified as pathogenic.

Ambry Genetics
Classification: Pathogenic for Inborn genetic diseases. Last evaluated: 2023-09-22. Review status: criteria provided, single submitter. Criteria: Ambry Variant Classification Scheme 2023. Collection method: clinical testing. Allele origin: germline.
Comment: The c.76C>T (p.R26*) alteration, located in exon 2 (coding exon 1) of the CNOT1 gene, consists of a C to T substitution at nucleotide position 76. This changes the amino acid from an arginine (R) to a stop codon at amino acid position 26. This alteration is expected to result in loss of function by premature protein truncation or nonsense-mediated mRNA decay. This variant was not reported in population-based cohorts in the Genome Aggregation Database (gnomAD). This variant has been determined to be the result of a de novo mutation in multiple individuals with features consistent with CNOT1-related neurodevelopmental disorder (Vissers, 2020). Based on the available evidence, this alteration is classified as pathogenic.

Genetics Laboratory, UDIAT-Centre Diagnòstic, Hospital Universitari Parc Tauli
Classification: Pathogenic. Last evaluated: 2021-04-26. Review status: criteria provided, single submitter. Criteria: Parc Tauli Hospital Assertion Criteria 2021. Collection method: clinical testing. Allele origin: de novo. Inheritance: Autosomal dominant inheritance. Affected: yes. Observed: 1 heterozygote.
Comment: PVS1_very strong;PS3_strong;PM2_supporting;PM6_moderate;PP5_supporting

OMIM
Classification: Pathogenic for VISSERS-BODMER SYNDROME. Last evaluated: 2020-09-29. Review status: no assertion criteria provided. Collection method: literature only. Allele origin: germline. Not counted in ClinVar's aggregate classification.

Literature cited by the submitters: PubMed 39944418 (cited by Women's Health and Genetics/Laboratory Corporation of America, LabCorp); PubMed 32553196 (cited by 6 submitters); PubMed 33057194 (cited by Division of Genetic & Genomic Pathology, Hong Kong Children's Hospital).